The following is an entry in ClinVar:

ClinVar aggregate classification (germline): Uncertain significance. Review status: criteria provided, multiple submitters, no conflicts (2 of 4 stars). 2 submissions from 2 submitters: Uncertain significance (2). Last evaluated 2024-05-10.

Conditions:
Polycystic kidney disease 4 (PKD4). Also called: POLYCYSTIC KIDNEY AND HEPATIC DISEASE 1; POLYCYSTIC KIDNEY DISEASE, INFANTILE, TYPE I; POLYCYSTIC KIDNEY DISEASE 4 WITH OR WITHOUT POLYCYSTIC LIVER DISEASE; PKD3; Autosomal Recessive Polycystic Kidney Disease – PKHD1. Identifiers: MedGen C4540575, MONDO:0033004, OMIM 263200.

Submissions (2):

Fulgent Genetics
Classification: Uncertain significance for Polycystic kidney disease 4. Last evaluated: 2024-05-10. Review status: criteria provided, single submitter. Criteria: ACMG Guidelines, 2015. Collection method: clinical testing. Allele origin: germline.

Juno Genomics, Hangzhou Juno Genomics, Inc
Classification: Uncertain significance for Polycystic kidney disease 4. Review status: criteria provided, single submitter. Criteria: ACMG Guidelines, 2015. Collection method: clinical testing. Allele origin: germline. Affected: yes.
Comment: Absent from controls (or at extremely low frequency if recessive) in Genome Aggregation Database.;Multiple lines of computational evidence support a deleterious effect on the gene or gene product.;For recessive disorders, detected in trans with a pathogenic variant.;Patient's phenotype or family history is highly specific for a disease with a single genetic etiology.

NM_138694.4(PKHD1):c.5909G>C (p.Gly1970Ala)

Gene: PKHD1 (PKHD1 ciliary IPT domain containing fibrocystin/polyductin; minus strand). Cytogenetic location: 6p12.2.
Variant type: single nucleotide variant.
Coding change: c.5909G>C on transcript NM_138694.4 (MANE Select); coding-DNA position 5909, G replaced by C.
Protein change: p.Gly1970Ala; replaces glycine 1970 with alanine.
Molecular consequence: missense variant.
Genome position (GRCh38, 1-based): chr6:51,934,322, C>G on the plus strand (G>C on the coding strand, the complement: PKHD1 is on the minus strand). VCF-style: chr6-51934322-C-G. GRCh37 (hg19) VCF-style: chr6-51799120-C-G.
Other names: c.5909G>C, p.Gly1970Ala (NM_170724.3); short protein forms G1970A.
Identifiers: ClinVar variation 3593876 (VCV003593876.2).
Genomic context (GRCh38, chr6:51,934,322, plus strand): 5'-ACAAGGATGGCGTGTGCCCTGAGCTCGATGGGTCCTGGGGCCATGAAAATCAGCTTGCCC[C>G]CTAATGGACAAAGGGAAAATTGTCAGTCCCTGGGAGGATAAGGCTTACCGTTTTGTCAGT-3'
Protein context (NP_619639.3, residues 1960-1980): TSILNLLHIK[Gly1970Ala]GKLIFMAPGP